The following is an entry in ClinVar:

NM_000243.3(MEFV):c.1141C>T (p.Gln381Ter)

Gene: MEFV (MEFV innate immunity regulator, pyrin; minus strand). Cytogenetic location: 16p13.3.
Variant type: single nucleotide variant.
Coding change: c.1141C>T on transcript NM_000243.3 (MANE Select); coding-DNA position 1141, C replaced by T.
Protein change: p.Gln381Ter; replaces glutamine 381 with a stop codon.
Molecular consequence: nonsense.
Genome position (GRCh38, 1-based): chr16:3,249,550, G>A on the plus strand (C>T on the coding strand, the complement: MEFV is on the minus strand). VCF-style: chr16-3249550-G-A. GRCh37 (hg19) VCF-style: chr16-3299550-G-A.
Other names: c.508C>T, p.Gln170Ter (NM_001198536.2); short protein forms Q381*, Q170*.
Identifiers: ClinVar variation 1978395 (VCV001978395.1), dbSNP rs756295637, ClinGen allele CA276898835.
Genomic context (GRCh38, chr16:3,249,550, plus strand): 5'-TCAGACTGCAGATGAGGCAGATGGGCTCATCGTGATCCTCACAGAAGAGCAGCTGGACCT[G>A]CTTCAGGTGGCGCTTACACTGTGGCAGGGGCTGGGGGCTTAGGCTTCCCGGGCTCTTCCT-3'

ClinVar aggregate classification (germline): Uncertain significance (1 of 4 stars; one submission).

Conditions:
Familial Mediterranean fever (FMF). Also called: POLYSEROSITIS, FAMILIAL PAROXYSMAL; POLYSEROSITIS, RECURRENT; Periodic peritonitis; Benign paroxysmal peritonitis. Identifiers: Orphanet 342, MedGen C0031069, MONDO:0018088, OMIM 249100. Disease mechanism: gain of function.

Allele frequency attached by ClinVar (database versions not stated): gnomAD 0.00001; TOPMed 0.00001.

Submission:

Labcorp Genetics (formerly Invitae), Labcorp
Classification: Uncertain significance for Familial Mediterranean fever. Last evaluated: 2022-05-26. Review status: criteria provided, single submitter. Criteria: Invitae Variant Classification Sherloc (09022015). Collection method: clinical testing. Allele origin: germline.
Comment: This sequence change creates a premature translational stop signal (p.Gln381*) in the MEFV gene. It is expected to result in an absent or disrupted protein product. However, the current clinical and genetic evidence is not sufficient to establish whether loss-of-function variants in MEFV cause disease. This variant is not present in population databases (gnomAD no frequency). This variant has not been reported in the literature in individuals affected with MEFV-related conditions. Experimental studies and prediction algorithms are not available or were not evaluated, and the functional significance of this variant is currently unknown. In summary, the available evidence is currently insufficient to determine the role of this variant in disease. Therefore, it has been classified as a Variant of Uncertain Significance.